The following is an entry in ClinVar:

NM_014780.5(CUL7):c.866G>C (p.Arg289Thr)

Gene: CUL7 (cullin 7; minus strand). Cytogenetic location: 6p21.1.
Variant type: single nucleotide variant.
Coding change: c.866G>C on transcript NM_014780.5 (MANE Select); coding-DNA position 866, G replaced by C.
Protein change: p.Arg289Thr; replaces arginine 289 with threonine.
Molecular consequence: missense variant.
Genome position (GRCh38, 1-based): chr6:43,051,335, C>G on the plus strand (G>C on the coding strand, the complement: CUL7 is on the minus strand). VCF-style: chr6-43051335-C-G. GRCh37 (hg19) VCF-style: chr6-43019073-C-G.
Other names: c.962G>C, p.Arg321Thr (NM_001168370.2, NM_001374872.1); c.866G>C, p.Arg289Thr (NM_001374873.1, NM_001374874.1); short protein forms R321T, R289T.
Identifiers: ClinVar variation 909442 (VCV000909442.5), dbSNP rs753386800, ClinGen allele CA3814280.

ClinVar aggregate classification (germline): Uncertain significance. Review status: criteria provided, multiple submitters, no conflicts (2 of 4 stars). 2 submissions from 2 submitters: Uncertain significance (2). Last evaluated 2022-10-17.

Conditions:
3M syndrome 1. Also called: 3-M Syndrome, CUL7-Related. Identifiers: Orphanet 2616, MedGen C2678312, MONDO:0010117, OMIM 273750.

Allele frequency attached by ClinVar (database versions not stated): ExAC 0.00002; gnomAD 0.00002 and 0.00003; gnomAD exomes 0.00002 and 0.00006; TOPMed 0.00003.
gnomAD v4.1: 27 of 1,611,656 alleles (0.0017%); highest among the groups gnomAD compares: Admixed American, 0.033%; no homozygotes.

Submissions (2):

Labcorp Genetics (formerly Invitae), Labcorp
Classification: Uncertain significance. Last evaluated: 2022-10-17. Review status: criteria provided, single submitter. Criteria: Invitae Variant Classification Sherloc (09022015). Collection method: clinical testing. Allele origin: germline.
Comment: This sequence change replaces arginine, which is basic and polar, with threonine, which is neutral and polar, at codon 289 of the CUL7 protein (p.Arg289Thr). This variant is present in population databases (rs753386800, gnomAD 0.05%). This variant has not been reported in the literature in individuals affected with CUL7-related conditions. ClinVar contains an entry for this variant (Variation ID: 909442). Algorithms developed to predict the effect of missense changes on protein structure and function are either unavailable or do not agree on the potential impact of this missense change (SIFT: "Deleterious"; PolyPhen-2: "Possibly Damaging"; Align-GVGD: "Class C0"). In summary, the available evidence is currently insufficient to determine the role of this variant in disease. Therefore, it has been classified as a Variant of Uncertain Significance.

Illumina Laboratory Services, Illumina
Classification: Uncertain significance for 3M syndrome 1. Last evaluated: 2018-01-12. Review status: criteria provided, single submitter. Criteria: ICSL Variant Classification Criteria 13 December 2019. Collection method: clinical testing. Allele origin: germline.